The following is an entry in ClinVar:

ClinVar aggregate classification (germline): Uncertain significance (0 of 4 stars; one submission).

Conditions:
NR0B2-related disorder. Also called: NR0B2-related condition.

Submission:

PreventionGenetics, part of Exact Sciences
Classification: Uncertain significance for NR0B2-related condition. Last evaluated: 2024-06-27. Review status: no assertion criteria provided. Collection method: clinical testing. Allele origin: germline.
Comment: The NR0B2 c.290T>C variant is predicted to result in the amino acid substitution p.Leu97Pro. To our knowledge, this variant has not been reported in the literature or in a large population database, indicating this variant is rare. At this time, the clinical significance of this variant is uncertain due to the absence of conclusive functional and genetic evidence.

NM_021969.3(NR0B2):c.290T>C (p.Leu97Pro)

Genes: NR0B2 (nuclear receptor subfamily 0 group B member 2; minus strand), NUDC (nuclear distribution C, dynein complex regulator; plus strand). Cytogenetic location: 1p36.11.
Variant type: single nucleotide variant.
Coding change: c.290T>C on transcript NM_021969.3 (MANE Select); coding-DNA position 290, T replaced by C.
Protein change: p.Leu97Pro; replaces leucine 97 with proline.
Molecular consequence: missense variant.
Genome position (GRCh38, 1-based): chr1:26,913,651, A>G on the plus strand (T>C on the coding strand, the complement: NR0B2 is on the minus strand). VCF-style: chr1-26913651-A-G. GRCh37 (hg19) VCF-style: chr1-27240142-A-G.
Other names: short protein forms L97P.
Identifiers: ClinVar variation 3358001 (VCV003358001.1).
Genomic context (GRCh38, chr1:26,913,651, plus strand): 5'-ATGCTGGGCACCGGGGCCTCAGCCACCTCAAAGGTCACAGCATCTTGGGCCAACCCAAGC[A>G]GGAAGAGGGGGCCCCAGCAACCCTGCAGCAGCCGCCGCTGGTCCTGGGGAGGCAGCTGCC-3'
Protein context (NP_068804.1, residues 87-107): LLQGCWGPLF[Leu97Pro]LGLAQDAVTF